The following is an entry in ClinVar:

NM_001379500.1(COL18A1):c.569G>A (p.Arg190Gln)

Gene: COL18A1 (collagen type XVIII alpha 1 chain; plus strand). Cytogenetic location: 21q22.3.
Variant type: single nucleotide variant.
Coding change: c.569G>A on transcript NM_001379500.1 (MANE Select); coding-DNA position 569, G replaced by A.
Protein change: p.Arg190Gln; replaces arginine 190 with glutamine.
Molecular consequence: missense variant.
Genome position (GRCh38, 1-based): chr21:45,468,704, G>A. VCF-style: chr21-45468704-G-A. GRCh37 (hg19) VCF-style: chr21-46888618-G-A.
Other names: c.1109G>A, p.Arg370Gln (NM_030582.4); c.1814G>A, p.Arg605Gln (NM_130444.3); short protein forms R190Q, R370Q, R605Q.
Identifiers: ClinVar variation 1480730 (VCV001480730.3), dbSNP rs773316683, ClinGen allele CA10065784.

ClinVar aggregate classification (germline): Uncertain significance (1 of 4 stars; one submission).

Allele frequency attached by ClinVar (database versions not stated): gnomAD 0.00001; ExAC 0.00002; gnomAD exomes 0.00002; TOPMed 0.00002.
gnomAD v4.1: 33 of 1,613,038 alleles (0.002%); highest among the groups gnomAD compares: Admixed American, 0.0033%; no homozygotes.

Submission:

Labcorp Genetics (formerly Invitae), Labcorp
Classification: Uncertain significance. Last evaluated: 2022-07-11. Review status: criteria provided, single submitter. Criteria: Invitae Variant Classification Sherloc (09022015). Collection method: clinical testing. Allele origin: germline.
Comment: This sequence change replaces arginine with glutamine at codon 190 of the COL18A1 protein (p.Arg190Gln). There is a small physicochemical difference between arginine and glutamine. This variant is present in population databases (rs773316683, gnomAD 0.003%). This variant has not been reported in the literature in individuals affected with COL18A1-related conditions. ClinVar contains an entry for this variant (Variation ID: 1480730). Experimental studies and prediction algorithms are not available or were not evaluated, and the functional significance of this variant is currently unknown. In summary, the available evidence is currently insufficient to determine the role of this variant in disease. Therefore, it has been classified as a Variant of Uncertain Significance.